The following is an entry in ClinVar:

NM_017950.4(CCDC40):c.2832+315G>A

Gene: CCDC40 (coiled-coil domain 40 molecular ruler complex subunit; plus strand). Cytogenetic location: 17q25.3.
Variant type: single nucleotide variant.
Coding change: c.2832+315G>A on transcript NM_017950.4 (MANE Select); 315 bases into the intron after coding-DNA position 2832, G replaced by A.
Molecular consequence: intron variant. On other transcripts: missense variant (1).
Genome position (GRCh38, 1-based): chr17:80,090,199, G>A. VCF-style: chr17-80090199-G-A. GRCh37 (hg19) VCF-style: chr17-78063998-G-A.
Other names: c.2893G>A, p.Ala965Thr (NM_001243342.2); short protein forms A965T.
Identifiers: ClinVar variation 1204681 (VCV001204681.36), dbSNP rs567724903, ClinGen allele CA8814395.
Genomic context (GRCh38, chr17:80,090,199, plus strand): 5'-AAATATTGCAGAACAACACAGGACGCACACAGGCACGTGCACGAACAACACGGGACGCAC[G>A]CAGGCACGTGCACGAAGAACACGGGACGCGCGCAGGCACGTGCACGAACAACACGGGACG-3'

ClinVar aggregate classification (germline): Benign/Likely benign. Review status: criteria provided, multiple submitters, no conflicts (2 of 4 stars). 4 submissions from 4 submitters: Benign (1); Likely benign (3). Last evaluated 2024-11-25.

Allele frequency attached by ClinVar (database versions not stated): 1000 Genomes Project 0.00319; TOPMed 0.00843; ExAC 0.00891; gnomAD exomes 0.02582.
gnomAD v4.1: 23,520 of 1,015,122 alleles (2.3%); highest among the groups gnomAD compares: Non-Finnish European, 2.9%; 4,654 homozygotes.

Submissions (4):

Blueprint Genetics
Classification: Likely benign. Last evaluated: 2024-11-25. Review status: criteria provided, single submitter. Criteria: ACMG Guidelines, 2015. Collection method: clinical testing. Allele origin: germline.

CeGaT Center for Human Genetics Tuebingen
Classification: Benign. Last evaluated: 2023-12-01. Review status: criteria provided, single submitter. Criteria: CeGaT Center For Human Genetics Tuebingen Variant Classification Criteria Version 2. Collection method: clinical testing. Allele origin: germline. Affected: yes. Observed: 2 variant alleles.
Comment: CCDC40: BP4, BS1, BS2

GeneDx
Classification: Likely benign. Last evaluated: 2018-07-15. Review status: criteria provided, single submitter. Criteria: GeneDx Variant Classification Process June 2021. Collection method: clinical testing. Allele origin: germline. Affected: yes.

Breakthrough Genomics
Classification: Likely benign. Review status: criteria provided, single submitter. Criteria: ACMG Guidelines, 2015. Collection method: not provided. Allele origin: germline. Inheritance: Autosomal recessive inheritance. Affected: yes.